The following is an entry in ClinVar:

NM_007294.4(BRCA1):c.5060T>A (p.Val1687Asp)

Gene: BRCA1 (BRCA1 DNA repair associated; minus strand). Cytogenetic location: 17q21.31.
Variant type: single nucleotide variant.
Coding change: c.5060T>A on transcript NM_007294.4 (MANE Select); coding-DNA position 5060, T replaced by A.
Protein change: p.Val1687Asp; replaces valine 1687 with aspartic acid.
Molecular consequence: missense variant. On other transcripts: non-coding transcript variant (1).
Genome position (GRCh38, 1-based): chr17:43,067,622, A>T on the plus strand (T>A on the coding strand, the complement: BRCA1 is on the minus strand). VCF-style: chr17-43067622-A-T. GRCh37 (hg19) VCF-style: chr17-41219639-A-T.
Other names: c.4847T>A, p.Val1616Asp (NM_001407571.1, NM_001407900.1, NM_001407902.1 and 12 more transcripts); c.5126T>A, p.Val1709Asp (NM_001407581.1, NM_001407582.1); c.5123T>A, p.Val1708Asp (NM_001407583.1, NM_001407585.1, NM_001407587.1 and 1 more transcripts); c.5120T>A, p.Val1707Asp (NM_001407590.1, NM_001407591.1); c.5060T>A, p.Val1687Asp (NM_001407593.1, NM_001407594.1, NM_001407596.1 and 8 more transcripts); c.5057T>A, p.Val1686Asp (NM_001407610.1, NM_001407611.1, NM_001407612.1 and 17 more transcripts); c.5054T>A, p.Val1685Asp (NM_001407629.1, NM_001407630.1, NM_001407631.1 and 14 more transcripts); c.5000T>A, p.Val1667Asp (NM_001407649.1); and 70 more; short protein forms V1687D, V1708D, V583D, V1640D, V544D, V557D, V558D, V584D.
Identifiers: ClinVar variation 868576 (VCV000868576.3), dbSNP rs1555579627, ClinGen allele CA10591400.
Genomic context (GRCh38, chr17:43,067,622, plus strand): 5'-TTTTATGCAGCAGATGCAAGGTATTCTGTAAAGGTTCTTGGTATACCTGTTTTCATAACA[A>T]CATGAGTAGTCTCTTCAGTAATTAGATTAGTTAAAGTGATGTGGTGTTTTCTGGCAAACT-3'
Protein context (NP_009225.1, residues 1677-1697): TNLITEETTH[Val1687Asp]VMKTDAEFVC

Conditions:
Breast-ovarian cancer, familial, susceptibility to, 1 (BROVCA1). Also called: BRCA1 Hereditary Breast and Ovarian Cancer; OVARIAN CANCER, SUSCEPTIBILITY TO. Identifiers: Orphanet 145, MedGen C2676676, MONDO:0011450, OMIM 604370. Disease mechanism: loss of function.

Submission:

Brotman Baty Institute, University of Washington
No classification provided (evidence only). Condition: Breast-ovarian cancer, familial 1. Review status: no classification provided. Collection method: in vitro. Allele origin: not applicable. Functional consequence: functionally_abnormal.
ClinVar note: "not provided" was previously submitted as the classification for the variant. However, the classification appeared to be based only on an observation of functional data so it was converted to no classification on 2025-07-30.